The following is an entry in ClinVar:

ClinVar aggregate classification (germline): Uncertain significance. Review status: criteria provided, multiple submitters, no conflicts (2 of 4 stars). 2 submissions from 2 submitters: Uncertain significance (2). Last evaluated 2025-10-21.

Conditions:
Developmental and epileptic encephalopathy, 12 (DEE12). Identifiers: MedGen C3150988, MONDO:0013389, OMIM 613722.

Allele frequency attached by ClinVar (database versions not stated): gnomAD 0.00001; TOPMed 0.00002.

Submissions (2):

GeneDx
Classification: Uncertain significance. Last evaluated: 2025-10-21. Review status: criteria provided, single submitter. Criteria: GeneDx Variant Classification Process June 2021. Collection method: clinical testing. Allele origin: germline. Affected: yes.
Comment: In silico analysis supports that this missense variant has a deleterious effect on protein structure/function; Has not been previously published as pathogenic or benign to our knowledge

Labcorp Genetics (formerly Invitae), Labcorp
Classification: Uncertain significance for Developmental and epileptic encephalopathy, 12. Last evaluated: 2020-02-12. Review status: criteria provided, single submitter. Criteria: Invitae Variant Classification Sherloc (09022015). Collection method: clinical testing. Allele origin: germline.
Comment: This sequence change replaces arginine with tryptophan at codon 141 of the PNKP protein (p.Arg141Trp). The arginine residue is moderately conserved and there is a moderate physicochemical difference between arginine and tryptophan. This variant is present in population databases (rs755037999, ExAC 0.02%). This variant has not been reported in the literature in individuals with PNKP-related conditions. Algorithms developed to predict the effect of missense changes on protein structure and function are either unavailable or do not agree on the potential impact of this missense change (SIFT: "Deleterious"; PolyPhen-2: "Possibly Damaging"; Align-GVGD: "Class C0"). In summary, the available evidence is currently insufficient to determine the role of this variant in disease. Therefore, it has been classified as a Variant of Uncertain Significance.

NM_007254.4(PNKP):c.421C>T (p.Arg141Trp)

Gene: PNKP (polynucleotide kinase 3'-phosphatase; minus strand). Cytogenetic location: 19q13.33.
Variant type: single nucleotide variant.
Coding change: c.421C>T on transcript NM_007254.4 (MANE Select); coding-DNA position 421, C replaced by T.
Protein change: p.Arg141Trp; replaces arginine 141 with tryptophan.
Molecular consequence: missense variant.
Genome position (GRCh38, 1-based): chr19:49,865,204, G>A on the plus strand (C>T on the coding strand, the complement: PNKP is on the minus strand). VCF-style: chr19-49865204-G-A. GRCh37 (hg19) VCF-style: chr19-50368461-G-A.
Other names: short protein forms R141W.
Identifiers: ClinVar variation 1057467 (VCV001057467.14), dbSNP rs755037999, ClinGen allele CA9586951.